The following is an entry in ClinVar:

NM_024422.6(DSC2):c.770G>A (p.Arg257Lys)

Gene: DSC2 (desmocollin 2; minus strand). Cytogenetic location: 18q12.1.
Variant type: single nucleotide variant.
Coding change: c.770G>A on transcript NM_024422.6 (MANE Select); coding-DNA position 770, G replaced by A.
Protein change: p.Arg257Lys; replaces arginine 257 with lysine.
Molecular consequence: missense variant.
Genome position (GRCh38, 1-based): chr18:31,087,674, C>T on the plus strand (G>A on the coding strand, the complement: DSC2 is on the minus strand). VCF-style: chr18-31087674-C-T. GRCh37 (hg19) VCF-style: chr18-28667637-C-T.
Other names: c.341G>A, p.Arg114Lys (NM_001406506.1, NM_001406507.1); c.770G>A, p.Arg257Lys (NM_004949.5); short protein forms R114K, R257K.
Identifiers: ClinVar variation 3893840 (VCV003893840.1).
Genomic context (GRCh38, chr18:31,087,674, plus strand): 5'-ATGTATGAATTGAAACACAGTTAATTTGCCATATATTGTTTAAGGAGGTACTCACCCACT[C>T]TGCAATTTTCAAAAATTGTAAAAGTATAAGTTTCTTCTGTAAAAATTGGGTAGTTATCAT-3'
Protein context (NP_077740.1, residues 247-267): TYTFTIFENC[Arg257Lys]VGTTVGQVCA

ClinVar aggregate classification (germline): Uncertain significance (1 of 4 stars; one submission).

Conditions:
Cardiomyopathy (CMYO). Also called: Cardiomyopathies. Identifiers: Orphanet 167848, MedGen C0878544, MONDO:0004994, HP:0001638. Inheritance: Various modes of inheritance.

Submission:

Color Diagnostics, LLC DBA Color Health
Classification: Uncertain significance for Cardiomyopathy. Last evaluated: 2024-05-04. Review status: criteria provided, single submitter. Criteria: ACMG Guidelines, 2015. Collection method: clinical testing. Allele origin: germline.
Comment: This missense variant replaces arginine with lysine at codon 257 of the DSC2 protein. Computational prediction suggests that this variant may not impact protein structure and function (internally defined REVEL score threshold <= 0.5, PMID: 27666373). To our knowledge, functional studies have not been reported for this variant. This variant has not been reported in individuals affected with DSC2-related disorders in the literature. This variant has not been identified in the general population by the Genome Aggregation Database (gnomAD). The available evidence is insufficient to determine the role of this variant in disease conclusively. Therefore, this variant is classified as a Variant of Uncertain Significance.